The following is an entry in ClinVar:

NM_017617.5(NOTCH1):c.5934+45G>A

Gene: NOTCH1 (notch receptor 1; minus strand). Cytogenetic location: 9q34.3.
Variant type: single nucleotide variant.
Coding change: c.5934+45G>A on transcript NM_017617.5 (MANE Select); 45 bases into the intron after coding-DNA position 5934, G replaced by A.
Molecular consequence: intron variant.
Genome position (GRCh38, 1-based): chr9:136,500,507, C>T on the plus strand (G>A on the coding strand, the complement: NOTCH1 is on the minus strand). VCF-style: chr9-136500507-C-T. GRCh37 (hg19) VCF-style: chr9-139394959-C-T.
Identifiers: ClinVar variation 678618 (VCV000678618.2), dbSNP rs11574909, ClinGen allele CA5340088.

ClinVar aggregate classification (germline): Benign. Review status: criteria provided, multiple submitters, no conflicts (2 of 4 stars). 2 submissions from 2 submitters: Benign (2). Last evaluated 2018-06-14.

Allele frequency attached by ClinVar (database versions not stated): ExAC 0.01372; gnomAD 0.04332; ESP Exome Variant Server 0.04657; TOPMed 0.04827; 1000 Genomes Project 0.05292; 1000 Genomes Project 30x 0.05543.
gnomAD v4.1: 14,423 of 1,601,914 alleles (0.9%); highest among the groups gnomAD compares: African/African-American, 16%; 960 homozygotes.

Submissions (2):

GeneDx
Classification: Benign. Last evaluated: 2018-06-14. Review status: criteria provided, single submitter. Criteria: GeneDx Variant Classification (06012015). Collection method: clinical testing. Allele origin: germline. Affected: yes.
Comment: This variant is considered likely benign or benign based on one or more of the following criteria: it is a conservative change, it occurs at a poorly conserved position in the protein, it is predicted to be benign by multiple in silico algorithms, and/or has population frequency not consistent with disease.

Breakthrough Genomics
Classification: Benign. Review status: criteria provided, single submitter. Criteria: ACMG Guidelines, 2015. Collection method: not provided. Allele origin: germline. Inheritance: Autosomal dominant inheritance. Affected: yes.